The following is an entry in ClinVar:

NM_005141.5(FGB):c.114G>C (p.Glu38Asp)

Gene: FGB (fibrinogen beta chain; plus strand). Cytogenetic location: 4q31.3.
Variant type: single nucleotide variant.
Coding change: c.114G>C on transcript NM_005141.5 (MANE Select); coding-DNA position 114, G replaced by C.
Protein change: p.Glu38Asp; replaces glutamic acid 38 with aspartic acid.
Molecular consequence: missense variant.
Genome position (GRCh38, 1-based): chr4:154,563,132, G>C. VCF-style: chr4-154563132-G-C. GRCh37 (hg19) VCF-style: chr4-155484284-G-C.
Other names: c.114G>C, p.Glu38Asp (NM_001184741.1, NM_001382759.1, NM_001382760.1 and 5 more transcripts); short protein forms E38D.
Identifiers: ClinVar variation 2633944 (VCV002633944.1), dbSNP rs1339535578, ClinGen allele CA358507784.

ClinVar aggregate classification (germline): Uncertain significance (1 of 4 stars; one submission).

Conditions:
FGB-related disorder. Also called: FGB-related condition.

Allele frequency attached by ClinVar (database versions not stated): gnomAD exomes below 0.00001.
gnomAD v4.1: 1 of 1,386,744 alleles (0.000072%); highest among the groups gnomAD compares: South Asian, 0.0013%; no homozygotes.

Submission:

PreventionGenetics, part of Exact Sciences
Classification: Uncertain significance for FGB-related condition. Last evaluated: 2023-09-30. Review status: criteria provided, single submitter. Criteria: ACMG Guidelines, 2015. Collection method: clinical testing. Allele origin: germline.
Comment: The FGB c.114G>C variant is predicted to result in the amino acid substitution p.Glu38Asp. To our knowledge, this variant has not been reported in the literature or in a large population database, indicating this variant is rare. At this time, the clinical significance of this variant is uncertain due to the absence of conclusive functional and genetic evidence.